The following is an entry in ClinVar:

NM_000744.7(CHRNA4):c.553G>A (p.Asp185Asn)

Gene: CHRNA4 (cholinergic receptor nicotinic alpha 4 subunit; minus strand). Cytogenetic location: 20q13.33.
Variant type: single nucleotide variant.
Coding change: c.553G>A on transcript NM_000744.7 (MANE Select); coding-DNA position 553, G replaced by A.
Protein change: p.Asp185Asn; replaces aspartic acid 185 with asparagine.
Molecular consequence: missense variant. On other transcripts: non-coding transcript variant (1).
Genome position (GRCh38, 1-based): chr20:63,350,858, C>T on the plus strand (G>A on the coding strand, the complement: CHRNA4 is on the minus strand). VCF-style: chr20-63350858-C-T. GRCh37 (hg19) VCF-style: chr20-61982210-C-T.
Other names: c.25G>A, p.Asp9Asn (NM_001256573.2); short protein forms D185N, D9N.
Identifiers: ClinVar variation 1018506 (VCV001018506.8), dbSNP rs200979226, ClinGen allele CA9957781.

ClinVar aggregate classification (germline): Uncertain significance (1 of 4 stars; one submission).

Conditions:
Familial sleep-related hypermotor epilepsy. Also called: Autosomal Dominant Sleep-Related Hypermotor (Hyperkinetic) Epilepsy. Identifiers: Orphanet 98784, MedGen C3696898, MONDO:0000030.

Allele frequency attached by ClinVar (database versions not stated): TOPMed 0.00001; ExAC 0.00004; gnomAD exomes 0.00004; gnomAD 0.00006; ESP Exome Variant Server 0.00008.
gnomAD v4.1: 26 of 1,613,806 alleles (0.0016%); highest among the groups gnomAD compares: African/African-American, 0.0013%; no homozygotes.

Submission:

Labcorp Genetics (formerly Invitae), Labcorp
Classification: Uncertain significance. Last evaluated: 2025-07-21. Review status: criteria provided, single submitter. Criteria: Invitae Variant Classification Sherloc (09022015). Collection method: clinical testing. Allele origin: germline.
Comment: This sequence change replaces aspartic acid, which is acidic and polar, with asparagine, which is neutral and polar, at codon 185 of the CHRNA4 protein (p.Asp185Asn). This variant is present in population databases (rs200979226, gnomAD 0.03%). This variant has not been reported in the literature in individuals affected with CHRNA4-related conditions. ClinVar contains an entry for this variant (Variation ID: 1018506). Invitae Evidence Modeling of protein sequence and biophysical properties (such as structural, functional, and spatial information, amino acid conservation, physicochemical variation, residue mobility, and thermodynamic stability) indicates that this missense variant is not expected to disrupt CHRNA4 protein function with a negative predictive value of 80%. In summary, the available evidence is currently insufficient to determine the role of this variant in disease. Therefore, it has been classified as a Variant of Uncertain Significance.